The following is an entry in ClinVar:

ClinVar aggregate classification (germline): Likely benign (1 of 4 stars; one submission).

gnomAD v4.1: 10 of 1,614,154 alleles (0.00062%); highest among the groups gnomAD compares: South Asian, 0.0099%; no homozygotes.

Submission:

CeGaT Center for Human Genetics Tuebingen
Classification: Likely benign. Last evaluated: 2026-03-01. Review status: criteria provided, single submitter. Criteria: CeGaT Center For Human Genetics Tuebingen Variant Classification Criteria Version 2. Collection method: clinical testing. Allele origin: germline. Affected: yes. Observed: 1 variant allele.
Comment: ZFHX3: BP4, BP7

NM_006885.4(ZFHX3):c.543A>G (p.Gln181=)

Gene: ZFHX3 (zinc finger homeobox 3; minus strand). Cytogenetic location: 16q22.3.
Variant type: single nucleotide variant.
Coding change: c.543A>G on transcript NM_006885.4 (MANE Select); coding-DNA position 543, A replaced by G.
Protein change: p.Gln181=; no amino-acid change (glutamine 181 retained).
Molecular consequence: synonymous variant. On other transcripts: intron variant (1).
Genome position (GRCh38, 1-based): chr16:72,959,603, T>C on the plus strand (A>G on the coding strand, the complement: ZFHX3 is on the minus strand). VCF-style: chr16-72959603-T-C. GRCh37 (hg19) VCF-style: chr16-72993502-T-C.
Other names: c.543A>G, p.Gln181= (NM_001386735.1); c.-23-8638A>G (NM_001164766.2).
Identifiers: ClinVar variation 4823659 (VCV004823659.4).